The following is an entry in ClinVar:

ClinVar aggregate classification (germline): Benign/Likely benign. Review status: criteria provided, multiple submitters, no conflicts (2 of 4 stars). 7 submissions from 7 submitters: Benign (1); Likely benign (4). 2 of the submissions do not count toward it. Last evaluated 2026-06-01.

Allele frequency attached by ClinVar (database versions not stated): 1000 Genomes Project 30x 0.00031; 1000 Genomes Project 0.00040; ESP Exome Variant Server 0.00092; gnomAD 0.00107 and 0.00109; TOPMed 0.00107; ExAC 0.00113; gnomAD exomes 0.00114 and 0.00133.
gnomAD v4.1: 2,083 of 1,613,852 alleles (0.13%); highest among the groups gnomAD compares: South Asian, 0.17%; 4 homozygotes.

Submissions (7):

CeGaT Center for Human Genetics Tuebingen
Classification: Likely benign. Last evaluated: 2026-06-01. Review status: criteria provided, single submitter. Criteria: CeGaT Center For Human Genetics Tuebingen Variant Classification Criteria Version 2. Collection method: clinical testing. Allele origin: germline. Affected: yes. Observed: 8 variant alleles.
Comment: SETBP1: BS1

Labcorp Genetics (formerly Invitae), Labcorp
Classification: Likely benign. Last evaluated: 2026-01-28. Review status: criteria provided, single submitter. Criteria: Invitae Variant Classification Sherloc (09022015). Collection method: clinical testing. Allele origin: germline.

Blueprint Genetics
Classification: Likely benign. Last evaluated: 2024-10-28. Review status: criteria provided, single submitter. Criteria: ACMG Guidelines, 2015. Collection method: clinical testing. Allele origin: germline.

GeneDx
Classification: Benign. Last evaluated: 2019-05-24. Review status: criteria provided, single submitter. Criteria: GeneDx Variant Classification Process June 2021. Collection method: clinical testing. Allele origin: germline. Affected: yes.

Center for Pediatric Genomic Medicine, Children's Mercy Hospital and Clinics
Classification: Likely benign. Last evaluated: 2015-12-21. Review status: criteria provided, single submitter. Criteria: ACMG Guidelines, 2015. Collection method: clinical testing. Allele origin: germline.
ClinVar note: Converted during submission from Likely Benign to Likely benign.

Clinical Genetics DNA and cytogenetics Diagnostics Lab, Erasmus MC, Erasmus Medical Center
Classification: Likely benign. Review status: no assertion criteria provided. Collection method: clinical testing. Allele origin: germline. Affected: yes. Study: VKGL Data-share Consensus. Not counted in ClinVar's aggregate classification.

Diagnostic Laboratory, Department of Genetics, University Medical Center Groningen
Classification: Likely benign. Review status: no assertion criteria provided. Collection method: clinical testing. Allele origin: germline. Affected: yes. Study: VKGL Data-share Consensus. Not counted in ClinVar's aggregate classification.

NM_015559.3(SETBP1):c.3299A>G (p.His1100Arg)

Gene: SETBP1 (SET binding protein 1; plus strand). Cytogenetic location: 18q12.3.
Variant type: single nucleotide variant.
Coding change: c.3299A>G on transcript NM_015559.3 (MANE Select); coding-DNA position 3299, A replaced by G.
Protein change: p.His1100Arg; replaces histidine 1100 with arginine.
Molecular consequence: missense variant.
Genome position (GRCh38, 1-based): chr18:44,952,639, A>G. VCF-style: chr18-44952639-A-G. GRCh37 (hg19) VCF-style: chr18-42532604-A-G.
Other names: c.3299A>G, p.His1100Arg (LRG_1150t1); short protein forms H1100R.
Identifiers: ClinVar variation 235578 (VCV000235578.45), dbSNP rs149162154, ClinGen allele CA8945880.
Genomic context (GRCh38, chr18:44,952,639, plus strand): 5'-GAGCAGCTTCCCCATTCATGAGGCCAACAGTGCCACCACCTCAGTTCCACACAAACTCCC[A>G]CGTAAAGATGTCCGGTGCAGCTAAGCATAAAGCCAAGCATGGAGTACACCTGCAGGGACC-3'
Protein context (NP_056374.2, residues 1090-1110): VPPPQFHTNS[His1100Arg]VKMSGAAKHK